The following is an entry in ClinVar:

ClinVar aggregate classification (germline): Benign/Likely benign. Review status: criteria provided, multiple submitters, no conflicts (2 of 4 stars). 8 submissions from 8 submitters: Benign (4); Likely benign (1). 3 of the submissions do not count toward it. Last evaluated 2026-02-01.

Conditions:
IFT172-related disorder. Also called: IFT172-related condition; IFT172-related disorders.
Retinitis pigmentosa 71 (RP71). Identifiers: Orphanet 791, MedGen C4225342, MONDO:0014618, OMIM 616394.
Short-rib thoracic dysplasia 10 with or without polydactyly (SRTD10). Identifiers: Orphanet 474, MedGen C3810175, MONDO:0014284, OMIM 615630.

Allele frequency attached by ClinVar (database versions not stated): gnomAD 0.00061 and 0.00089; TOPMed 0.00065; ESP Exome Variant Server 0.00077; gnomAD exomes 0.00164 and 0.00227; 1000 Genomes Project 30x 0.00187; 1000 Genomes Project 0.00220; ExAC 0.00254.
gnomAD v4.1: 2,517 of 1,614,050 alleles (0.16%); highest among the groups gnomAD compares: South Asian, 1.2%; 17 homozygotes.

Submissions (8):

Labcorp Genetics (formerly Invitae), Labcorp
Classification: Benign for Retinitis pigmentosa 71; Short-rib thoracic dysplasia 10 with or without polydactyly. Last evaluated: 2026-02-01. Review status: criteria provided, single submitter. Criteria: Invitae Variant Classification Sherloc (09022015). Collection method: clinical testing. Allele origin: germline.

CeGaT Center for Human Genetics Tuebingen
Classification: Benign. Last evaluated: 2025-09-01. Review status: criteria provided, single submitter. Criteria: CeGaT Center For Human Genetics Tuebingen Variant Classification Criteria Version 2. Collection method: clinical testing. Allele origin: germline. Affected: yes. Observed: 2 variant alleles.
Comment: IFT172: BP4, BS1, BS2

Blueprint Genetics
Classification: Likely benign. Last evaluated: 2024-11-20. Review status: criteria provided, single submitter. Criteria: ACMG Guidelines, 2015. Collection method: clinical testing. Allele origin: germline.

GeneDx
Classification: Benign. Last evaluated: 2021-05-12. Review status: criteria provided, single submitter. Criteria: GeneDx Variant Classification Process June 2021. Collection method: clinical testing. Allele origin: germline. Affected: yes.

Breakthrough Genomics
Classification: Benign. Review status: criteria provided, single submitter. Criteria: ACMG Guidelines, 2015. Collection method: not provided. Allele origin: germline. Inheritance: Autosomal recessive inheritance. Affected: yes.

PreventionGenetics, part of Exact Sciences
Classification: Benign for IFT172-related condition. Last evaluated: 2019-10-16. Review status: no assertion criteria provided. Collection method: clinical testing. Allele origin: germline. Not counted in ClinVar's aggregate classification.
Comment: This variant is classified as benign based on ACMG/AMP sequence variant interpretation guidelines (Richards et al. 2015 PMID: 25741868, with internal and published modifications).

Genome Diagnostics Laboratory, University Medical Center Utrecht
Classification: Likely benign. Review status: no assertion criteria provided. Collection method: clinical testing. Allele origin: germline. Affected: yes. Study: VKGL Data-share Consensus. Not counted in ClinVar's aggregate classification.

Laboratory of Diagnostic Genome Analysis, Leiden University Medical Center (LUMC)
Classification: Likely benign. Review status: no assertion criteria provided. Collection method: clinical testing. Allele origin: germline. Affected: yes. Study: VKGL Data-share Consensus. Not counted in ClinVar's aggregate classification.

NM_015662.3(IFT172):c.1433A>T (p.Asn478Ile)

Gene: IFT172 (intraflagellar transport 172; minus strand). Cytogenetic location: 2p23.3.
Variant type: single nucleotide variant.
Coding change: c.1433A>T on transcript NM_015662.3 (MANE Select); coding-DNA position 1433, A replaced by T.
Protein change: p.Asn478Ile; replaces asparagine 478 with isoleucine.
Molecular consequence: missense variant.
Genome position (GRCh38, 1-based): chr2:27,472,341, T>A on the plus strand (A>T on the coding strand, the complement: IFT172 is on the minus strand). VCF-style: chr2-27472341-T-A. GRCh37 (hg19) VCF-style: chr2-27695208-T-A.
Other names: short protein forms N478I.
Identifiers: ClinVar variation 680874 (VCV000680874.41), dbSNP rs143491198, ClinGen allele CA1580645.